The following is an entry in ClinVar:

ClinVar aggregate classification (germline): Uncertain significance (1 of 4 stars; one submission).

gnomAD v4.1: 3 of 1,613,782 alleles (0.00019%); highest among the groups gnomAD compares: Non-Finnish European, 0.00025%; no homozygotes.

Submission:

GeneDx
Classification: Uncertain significance. Last evaluated: 2025-07-22. Review status: criteria provided, single submitter. Criteria: GeneDx Variant Classification Process June 2021. Collection method: clinical testing. Allele origin: germline. Affected: yes.
Comment: Not observed at significant frequency in large population cohorts (gnomAD); In silico analysis supports that this missense variant has a deleterious effect on protein structure/function; Has not been previously published as pathogenic or benign to our knowledge

NM_001378414.1(HDAC4):c.1406G>T (p.Arg469Leu)

Gene: HDAC4 (histone deacetylase 4; minus strand). Cytogenetic location: 2q37.3.
Variant type: single nucleotide variant.
Coding change: c.1406G>T on transcript NM_001378414.1 (MANE Select); coding-DNA position 1406, G replaced by T.
Protein change: p.Arg469Leu; replaces arginine 469 with leucine.
Molecular consequence: missense variant.
Genome position (GRCh38, 1-based): chr2:239,126,583, C>A on the plus strand (G>T on the coding strand, the complement: HDAC4 is on the minus strand). VCF-style: chr2-239126583-C-A. GRCh37 (hg19) VCF-style: chr2-240048279-C-A.
Other names: c.1406G>T, p.Arg469Leu (NM_001378415.1); c.1391G>T, p.Arg464Leu (NM_001378416.1, NM_001378417.1, NM_001435996.1 and 1 more transcripts); c.1325G>T, p.Arg442Leu (NM_001435991.1, NM_001435992.1, NM_001435994.1); c.1247G>T, p.Arg416Leu (NM_001435993.1); c.1310G>T, p.Arg437Leu (NM_001435998.1); short protein forms R416L, R437L, R442L, R464L, R469L.
Identifiers: ClinVar variation 4687032 (VCV004687032.1).